The following is an entry in ClinVar:

ClinVar aggregate classification (germline): Uncertain significance. Review status: criteria provided, multiple submitters, no conflicts (2 of 4 stars). 4 submissions from 4 submitters: Uncertain significance (3). 1 of the submissions does not count toward it. Last evaluated 2026-01-27.

Conditions:
Hereditary cancer-predisposing syndrome. Also called: Hereditary neoplastic syndrome; Neoplastic Syndromes, Hereditary; Tumor predisposition; Hereditary Cancer Syndrome. Identifiers: Orphanet 140162, MedGen C0027672, MeSH D009386, MONDO:0015356.
Ataxia-telangiectasia syndrome (AT). Also called: LOUIS-BAR SYNDROME; Cerebello-oculocutaneous telangiectasia; Immunodeficiency with ataxia telangiectasia; AT, COMPLEMENTATION GROUP C; Ataxia-telangiectasia, complementation group D; ATAXIA-TELANGIECTASIA, COMPLEMENTATION GROUP A. Identifiers: Orphanet 100, MedGen C0004135, MONDO:0008840, OMIM 208900.

Allele frequency attached by ClinVar (database versions not stated): gnomAD exomes below 0.00001.
gnomAD v4.1: 2 of 1,614,078 alleles (0.00012%); highest among the groups gnomAD compares: Non-Finnish European, 0.000085%; no homozygotes.

Submissions (4):

Labcorp Genetics (formerly Invitae), Labcorp
Classification: Uncertain significance for Ataxia-telangiectasia syndrome. Last evaluated: 2026-01-27. Review status: criteria provided, single submitter. Criteria: Invitae Variant Classification Sherloc (09022015). Collection method: clinical testing. Allele origin: germline.
Comment: This sequence change replaces methionine, which is neutral and non-polar, with threonine, which is neutral and polar, at codon 660 of the ATM protein (p.Met660Thr). This variant is present in population databases (no rsID available, gnomAD 0.004%). This variant has not been reported in the literature in individuals affected with ATM-related conditions. ClinVar contains an entry for this variant (Variation ID: 481260). Invitae Evidence Modeling of protein sequence and biophysical properties (such as structural, functional, and spatial information, amino acid conservation, physicochemical variation, residue mobility, and thermodynamic stability) indicates that this missense variant is not expected to disrupt ATM protein function with a negative predictive value of 95%. In summary, the available evidence is currently insufficient to determine the role of this variant in disease. Therefore, it has been classified as a Variant of Uncertain Significance.

Ambry Genetics
Classification: Uncertain significance for Hereditary cancer-predisposing syndrome. Last evaluated: 2024-04-17. Review status: criteria provided, single submitter. Criteria: Ambry Variant Classification Scheme 2023. Collection method: clinical testing. Allele origin: germline.
Comment: The p.M660T variant (also known as c.1979T>C), located in coding exon 12 of the ATM gene, results from a T to C substitution at nucleotide position 1979. The methionine at codon 660 is replaced by threonine, an amino acid with similar properties. This amino acid position is well conserved in available vertebrate species. In addition, this alteration is predicted to be tolerated by in silico analysis. Since supporting evidence is limited at this time, the clinical significance of this alteration remains unclear.

Color Diagnostics, LLC DBA Color Health
Classification: Uncertain significance for Hereditary cancer-predisposing syndrome. Last evaluated: 2024-03-06. Review status: criteria provided, single submitter. Criteria: ACMG Guidelines, 2015. Collection method: clinical testing. Allele origin: germline.
Comment: This missense variant replaces methionine with threonine at codon 660 of the ATM protein. Computational prediction suggests that this variant may not impact protein structure and function (internally defined REVEL score threshold <= 0.5, PMID: 27666373). To our knowledge, functional studies have not been performed for this variant. This variant has not been reported in individuals affected with hereditary cancer in the literature. This variant has been identified in 1/251372 chromosomes in the general population by the Genome Aggregation Database (gnomAD). The available evidence is insufficient to determine the role of this variant in disease conclusively. Therefore, this variant is classified as a Variant of Uncertain Significance.

Natera, Inc.
Classification: Uncertain significance for Ataxia-telangiectasia. Last evaluated: 2020-09-02. Review status: no assertion criteria provided. Collection method: clinical testing. Allele origin: germline. Not counted in ClinVar's aggregate classification.

NM_000051.4(ATM):c.1979T>C (p.Met660Thr)

Gene: ATM (ATM serine/threonine kinase; plus strand). Cytogenetic location: 11q22.3.
Variant type: single nucleotide variant.
Coding change: c.1979T>C on transcript NM_000051.4 (MANE Select); coding-DNA position 1979, T replaced by C.
Protein change: p.Met660Thr; replaces methionine 660 with threonine.
Molecular consequence: missense variant.
Genome position (GRCh38, 1-based): chr11:108,253,894, T>C. VCF-style: chr11-108253894-T-C. GRCh37 (hg19) VCF-style: chr11-108124621-T-C.
Other names: c.1979T>C, p.Met660Thr (NM_001351834.2); short protein forms M660T.
Identifiers: ClinVar variation 481260 (VCV000481260.20), dbSNP rs1298234172, ClinGen allele CA382536867.